The following is an entry in ClinVar:

NM_001367479.1(DNAH14):c.1258C>G (p.Arg420Gly)

Gene: DNAH14 (dynein axonemal heavy chain 14; plus strand). Cytogenetic location: 1q42.12.
Variant type: single nucleotide variant.
Coding change: c.1258C>G on transcript NM_001367479.1 (MANE Select); coding-DNA position 1258, C replaced by G.
Protein change: p.Arg420Gly; replaces arginine 420 with glycine.
Molecular consequence: missense variant.
Genome position (GRCh38, 1-based): chr1:225,023,765, C>G. VCF-style: chr1-225023765-C-G. GRCh37 (hg19) VCF-style: chr1-225211467-C-G.
Other names: NM_001373.1:c.1258C>G; c.1258C>G, p.Arg420Gly (NM_001145154.3); c.1189C>G, p.Arg397Gly (NM_001349911.2); short protein forms R397G, R420G.
Identifiers: ClinVar variation 2639942 (VCV002639942.25), dbSNP rs545174074, ClinGen allele CA1415697.
Genomic context (GRCh38, chr1:225,023,765, plus strand): 5'-TTATTAGAAACATTTTTCAAGTTTGTAATGCTGGTTGACTACATATTTCAGGAACTCATT[C>G]GTCAACTTATGAACACTGCAGTCACACTACTTTTGGAATTATTTAATGGTTCTGCTGGAA-3'
Protein context (NP_001354408.1, residues 410-430): LVDYIFQELI[Arg420Gly]QLMNTAVTLL

ClinVar aggregate classification (germline): Conflicting classifications of pathogenicity. Review status: criteria provided, conflicting classifications (1 of 4 stars). 2 submissions from 2 submitters: Uncertain significance (1); Likely benign (1). Last evaluated 2024-11-08.

Allele frequency attached by ClinVar (database versions not stated): ExAC 0.00005.
gnomAD v4.1: 330 of 1,550,542 alleles (0.021%); highest among the groups gnomAD compares: Non-Finnish European, 0.026%; 1 homozygote.

Submissions (2):

Ambry Genetics
Classification: Uncertain significance. Last evaluated: 2024-11-08. Review status: criteria provided, single submitter. Criteria: Ambry Variant Classification Scheme 2023. Collection method: clinical testing. Allele origin: germline.

CeGaT Center for Human Genetics Tuebingen
Classification: Likely benign. Last evaluated: 2023-10-01. Review status: criteria provided, single submitter. Criteria: CeGaT Center For Human Genetics Tuebingen Variant Classification Criteria Version 2. Collection method: clinical testing. Allele origin: germline. Affected: yes. Observed: 1 variant allele.
Comment: DNAH14: BP4